The following is an entry in ClinVar:

ClinVar aggregate classification (germline): Uncertain significance (1 of 4 stars; one submission).

Conditions:
Perry syndrome. Also called: PARKINSONISM WITH ALVEOLAR HYPOVENTILATION AND MENTAL DEPRESSION. Identifiers: Orphanet 178509, MedGen C1868594, MONDO:0008201, OMIM 168605.
Amyotrophic lateral sclerosis type 1 (ALS1). Also called: AMYOTROPHIC LATERAL SCLEROSIS 1, FAMILIAL. Identifiers: Orphanet 803, MedGen C1862939, MONDO:0007103, OMIM 105400.
Neuronopathy, distal hereditary motor, type 7B. Also called: NEURONOPATHY, DISTAL HEREDITARY MOTOR, AUTOSOMAL DOMINANT 14; NEURONOPATHY, DISTAL HEREDITARY MOTOR, HARDING TYPE VIIB; NEUROPATHY, DISTAL HEREDITARY MOTOR, HARDING TYPE VIIB; NEUROPATHY, DISTAL HEREDITARY MOTOR, WITH VOCAL CORD PARALYSIS, HARDING TYPE VIIB; HMN VIIB; LOWER MOTOR NEURON DISEASE, DYNACTIN TYPE. Identifiers: Orphanet 139589, MedGen C1843315, MONDO:0011879, OMIM 607641.

Allele frequency attached by ClinVar (database versions not stated): gnomAD exomes below 0.00001.
gnomAD v4.1: 1 of 1,614,148 alleles (0.000062%); highest among the groups gnomAD compares: Admixed American, 0.0017%; no homozygotes.

Submission:

Labcorp Genetics (formerly Invitae), Labcorp
Classification: Uncertain significance for Amyotrophic lateral sclerosis type 1; Neuronopathy, distal hereditary motor, type 7B; Perry syndrome. Last evaluated: 2020-01-30. Review status: criteria provided, single submitter. Criteria: Invitae Variant Classification Sherloc (09022015). Collection method: clinical testing. Allele origin: germline.
Comment: In summary, the available evidence is currently insufficient to determine the role of this variant in disease. Therefore, it has been classified as a Variant of Uncertain Significance. Algorithms developed to predict the effect of missense changes on protein structure and function are either unavailable or do not agree on the potential impact of this missense change (SIFT: "Deleterious"; PolyPhen-2: "Benign"; Align-GVGD: "Class C0"). This variant has not been reported in the literature in individuals with DCTN1-related conditions. This variant is not present in population databases (ExAC no frequency). This sequence change replaces glutamine with glutamic acid at codon 1271 of the DCTN1 protein (p.Gln1271Glu). The glutamine residue is highly conserved and there is a small physicochemical difference between glutamine and glutamic acid.

NM_004082.5(DCTN1):c.3811C>G (p.Gln1271Glu)

Gene: DCTN1 (dynactin subunit 1; minus strand). Cytogenetic location: 2p13.1.
Variant type: single nucleotide variant.
Coding change: c.3811C>G on transcript NM_004082.5 (MANE Select); coding-DNA position 3811, C replaced by G.
Protein change: p.Gln1271Glu; replaces glutamine 1271 with glutamic acid.
Molecular consequence: missense variant. On other transcripts: non-coding transcript variant (1).
Genome position (GRCh38, 1-based): chr2:74,361,525, G>C on the plus strand (C>G on the coding strand, the complement: DCTN1 is on the minus strand). VCF-style: chr2-74361525-G-C. GRCh37 (hg19) VCF-style: chr2-74588652-G-C.
Other names: c.3736C>G, p.Gln1246Glu (NM_001135040.3); c.3394C>G, p.Gln1132Glu (NM_001135041.3); c.3685C>G, p.Gln1229Glu (NM_001190836.2); c.3790C>G, p.Gln1264Glu (NM_001190837.2); c.3760C>G, p.Gln1254Glu (NM_001378991.1); c.3742C>G, p.Gln1248Glu (NM_001378992.1); c.3409C>G, p.Gln1137Glu (NM_023019.4); short protein forms Q1246E, Q1254E, Q1137E, Q1248E, Q1271E, Q1132E, Q1229E, Q1264E.
Identifiers: ClinVar variation 1041780 (VCV001041780.10), dbSNP rs1673987624, ClinGen allele CA347334458.